The following is an entry in ClinVar:

NM_001100.4(ACTA1):c.1029C>G (p.Ile343Met)

Gene: ACTA1 (actin alpha 1, skeletal muscle; minus strand). Cytogenetic location: 1q42.13.
Variant type: single nucleotide variant.
Coding change: c.1029C>G on transcript NM_001100.4 (MANE Select); coding-DNA position 1029, C replaced by G.
Protein change: p.Ile343Met; replaces isoleucine 343 with methionine.
Molecular consequence: missense variant.
Genome position (GRCh38, 1-based): chr1:229,431,604, G>C on the plus strand (C>G on the coding strand, the complement: ACTA1 is on the minus strand). VCF-style: chr1-229431604-G-C. GRCh37 (hg19) VCF-style: chr1-229567351-G-C.
Other names: short protein forms I343M.
Identifiers: ClinVar variation 1306956 (VCV001306956.2), dbSNP rs1349683355, ClinGen allele CA345144745.

ClinVar aggregate classification (germline): Uncertain significance (1 of 4 stars; one submission).

Submission:

GeneDx
Classification: Uncertain significance. Last evaluated: 2019-07-11. Review status: criteria provided, single submitter. Criteria: GeneDx Variant Classification Process June 2021. Collection method: clinical testing. Allele origin: germline. Affected: yes.
Comment: Has not been previously published as pathogenic or benign to our knowledge; Not observed in large population cohorts (Lek et al., 2016); In silico analysis, which includes protein predictors and evolutionary conservation, supports that this variant does not alter protein structure/function; The majority of missense variants in this gene are considered pathogenic (Stenson et al., 2014)